The following is an entry in ClinVar:

ClinVar aggregate classification (germline): Uncertain significance (1 of 4 stars; one submission).

Conditions:
Hereditary cancer-predisposing syndrome. Also called: Tumor predisposition; Hereditary Cancer Syndrome; Hereditary neoplastic syndrome; Neoplastic Syndromes, Hereditary. Identifiers: Orphanet 140162, MedGen C0027672, MeSH D009386, MONDO:0015356.

Submission:

Ambry Genetics
Classification: Uncertain significance for Hereditary cancer-predisposing syndrome. Last evaluated: 2024-05-11. Review status: criteria provided, single submitter. Criteria: Ambry Variant Classification Scheme 2023. Collection method: clinical testing. Allele origin: germline.
Comment: The p.T2269S variant (also known as c.6806C>G), located in coding exon 15 of the APC gene, results from a C to G substitution at nucleotide position 6806. The threonine at codon 2269 is replaced by serine, an amino acid with similar properties. This amino acid position is conserved. In addition, in silico predictors for this gene do not accurately predict pathogenicity. Based on the available evidence, the clinical significance of this variant remains unclear.

NM_000038.6(APC):c.6806C>G (p.Thr2269Ser)

Gene: APC (APC regulator of Wnt signaling pathway; plus strand). Cytogenetic location: 5q22.2.
Variant type: single nucleotide variant.
Coding change: c.6806C>G on transcript NM_000038.6 (MANE Select); coding-DNA position 6806, C replaced by G.
Protein change: p.Thr2269Ser; replaces threonine 2269 with serine.
Molecular consequence: missense variant. On other transcripts: non-coding transcript variant (2).
Genome position (GRCh38, 1-based): chr5:112,842,400, C>G. VCF-style: chr5-112842400-C-G. GRCh37 (hg19) VCF-style: chr5-112178097-C-G.
Other names: c.5957C>G, p.Thr1986Ser (NM_001354906.2, NM_001407470.1); c.6890C>G, p.Thr2297Ser (NM_001407446.1); c.6860C>G, p.Thr2287Ser (NM_001407447.1, NM_001407448.1, NM_001407449.1 and 1 more transcripts); c.6806C>G, p.Thr2269Ser (NM_001407450.1, NM_001127510.3, NM_001354895.2); c.6785C>G, p.Thr2262Ser (NM_001407451.1); c.6776C>G, p.Thr2259Ser (NM_001407452.1); c.6629C>G, p.Thr2210Ser (NM_001407453.1, NM_001354901.2); c.6557C>G, p.Thr2186Ser (NM_001407454.1, NM_001407455.1, NM_001407456.1 and 1 more transcripts); and 11 more; short protein forms T2178S, T2186S, T2210S, T2109S, T2140S, T2241S, T2244S, T2251S.
Identifiers: ClinVar variation 3305306 (VCV003305306.1).
Genomic context (GRCh38, chr5:112,842,400, plus strand): 5'-AAGGCCCACCCCTTAAGACTCCAGCCTCCAAAAGCCCTAGTGAAGGTCAAACAGCCACCA[C>G]TTCTCCTAGAGGAGCCAAGCCATCTGTGAAATCAGAATTAAGCCCTGTTGCCAGGCAGAC-3'
Protein context (NP_000029.2, residues 2259-2279): KSPSEGQTAT[Thr2269Ser]SPRGAKPSVK